The following is an entry in ClinVar:

NM_001429.4(EP300):c.6324G>A (p.Gln2108=)

Gene: EP300 (EP300 lysine acetyltransferase; plus strand). Cytogenetic location: 22q13.2.
Variant type: single nucleotide variant.
Coding change: c.6324G>A on transcript NM_001429.4 (MANE Select); coding-DNA position 6324, G replaced by A.
Protein change: p.Gln2108=; no amino-acid change (glutamine 2108 retained).
Molecular consequence: synonymous variant.
Genome position (GRCh38, 1-based): chr22:41,178,035, G>A. VCF-style: chr22-41178035-G-A. GRCh37 (hg19) VCF-style: chr22-41574039-G-A.
Other names: c.6246G>A, p.Gln2082= (NM_001362843.2).
Identifiers: ClinVar variation 4981701 (VCV004981701.1).

ClinVar aggregate classification (germline): Likely benign (1 of 4 stars; one submission).

Conditions:
EP300-related disorder. Also called: EP300-related condition; EP300-related disorders.

gnomAD v4.1: 26 of 1,614,098 alleles (0.0016%); highest among the groups gnomAD compares: South Asian, 0.029%; 1 homozygote.

Submission:

PreventionGenetics, part of Exact Sciences
Classification: Likely benign for EP300-related condition. Last evaluated: 2026-08-28. Review status: criteria provided, single submitter. Criteria: ACMG Guidelines, 2015. Collection method: clinical testing. Allele origin: germline.
Comment: This variant is classified as likely benign based on ACMG/AMP sequence variant interpretation guidelines (Richards et al. 2015 PMID: 25741868, with internal and published modifications).